The following is an entry in ClinVar:

NM_006486.3(FBLN1):c.1292G>A (p.Arg431Gln)

Gene: FBLN1 (fibulin 1; plus strand). Cytogenetic location: 22q13.31.
Variant type: single nucleotide variant.
Coding change: c.1292G>A on transcript NM_006486.3 (MANE Select); coding-DNA position 1292, G replaced by A.
Protein change: p.Arg431Gln; replaces arginine 431 with glutamine.
Molecular consequence: missense variant.
Genome position (GRCh38, 1-based): chr22:45,543,497, G>A. VCF-style: chr22-45543497-G-A. GRCh37 (hg19) VCF-style: chr22-45939377-G-A.
Other names: c.1292G>A (NM_006486.2); c.1292G>A, p.Arg431Gln (NM_001996.4, NM_006485.4, NM_006487.3); short protein forms R431Q.
Identifiers: ClinVar variation 2653289 (VCV002653289.26), dbSNP rs771837629, ClinGen allele CA10286891.

ClinVar aggregate classification (germline): Conflicting classifications of pathogenicity. Review status: criteria provided, conflicting classifications (1 of 4 stars). 3 submissions from 3 submitters: Uncertain significance (2); Likely benign (1). Last evaluated 2025-04-05.

Conditions:
FBLN1-related disorder. Also called: FBLN1-related condition.

Allele frequency attached by ClinVar (database versions not stated): gnomAD exomes 0.00005; gnomAD 0.00007; TOPMed 0.00009.
gnomAD v4.1: 98 of 1,613,786 alleles (0.0061%); highest among the groups gnomAD compares: African/African-American, 0.015%; no homozygotes.

Submissions (3):

PreventionGenetics, part of Exact Sciences
Classification: Likely benign for FBLN1-related condition. Last evaluated: 2025-04-05. Review status: criteria provided, single submitter. Criteria: ACMG Guidelines, 2015. Collection method: clinical testing. Allele origin: germline.
Comment: This variant is classified as likely benign based on ACMG/AMP sequence variant interpretation guidelines (Richards et al. 2015 PMID: 25741868, with internal and published modifications).

Ambry Genetics
Classification: Uncertain significance. Last evaluated: 2024-11-13. Review status: criteria provided, single submitter. Criteria: Ambry Variant Classification Scheme 2023. Collection method: clinical testing. Allele origin: germline.

CeGaT Center for Human Genetics Tuebingen
Classification: Uncertain significance. Last evaluated: 2023-09-01. Review status: criteria provided, single submitter. Criteria: CeGaT Center For Human Genetics Tuebingen Variant Classification Criteria Version 2. Collection method: clinical testing. Allele origin: germline. Affected: yes. Observed: 1 variant allele.